The following is an entry in ClinVar:

ClinVar aggregate classification (germline): Likely benign (0 of 4 stars; one submission).

Conditions:
PCDHA13-related disorder. Also called: PCDHA13-related condition.

Submission:

PreventionGenetics, part of Exact Sciences
Classification: Likely benign for PCDHA13-related condition. Last evaluated: 2019-06-07. Review status: no assertion criteria provided. Collection method: clinical testing. Allele origin: germline.
Comment: This variant is classified as likely benign based on ACMG/AMP sequence variant interpretation guidelines (Richards et al. 2015 PMID: 25741868, with internal and published modifications).

NM_018904.3(PCDHA13):c.2543-9_2543-8del

Genes: PCDHA1 (protocadherin alpha 1; plus strand), PCDHA10 (protocadherin alpha 10; plus strand), PCDHA11 (protocadherin alpha 11; plus strand), PCDHA12 (protocadherin alpha 12; plus strand), PCDHA13 (protocadherin alpha 13; plus strand) and 12 more. Cytogenetic location: 5q31.3.
Variant type: Deletion.
Coding change: c.2543-9_2543-8del on transcript NM_018904.3 (MANE Select); 9 bases into the intron before coding-DNA position 2543 through 8 bases into the intron before coding-DNA position 2543, 2 bases deleted (GT; older notation c.2543-9_2543-8delGT).
Molecular consequence: intron variant.
Genome position (GRCh38, 1-based): chr5:141,009,618-141,009,619, GT deleted; deleting any 2 consecutive bases within chr5:141,009,617-141,009,619 gives the same sequence; the c. name uses the placement nearest the transcript's 3' end. VCF-style (leftmost placement, unchanged base first): chr5-141009616-TTG-T. GRCh37 (hg19) VCF-style: chr5-140389201-TTG-T.
Other names: c.2543-9_2543-8del (NM_018900.4, NM_018906.3, NM_018909.4 and 2 more transcripts); c.1751-9_1751-8del (NM_031411.3, NM_031849.3); c.2537-9_2537-8del (NM_018905.3, NM_018901.4); c.2534-9_2534-8del (NM_018907.4); c.2501-9_2501-8del (NM_018908.3); c.2504-9_2504-8del (NM_018910.3); c.1748-9_1748-8del (NM_031860.3); c.2540-9_2540-8del (NM_018902.5); and 3 more.
Identifiers: ClinVar variation 3044804 (VCV003044804.2), dbSNP rs2550926228, ClinGen allele CA2740094099.
Genomic context (GRCh38, chr5:141,009,616, plus strand): 5'-ACTCTACCAGCAGTGTGGCATCAAGAGCATGTGTTGACCCTGTTAATGATTTGTAATGTT[TTG>T]TCTTTCAGAACCAGAGGCAGGAGAAGTGTCCCCTCCAGTCGGTGCGGGTGTCAACAGCAA-3'